The following is an entry in ClinVar:

NM_021076.4(NEFH):c.6G>T (p.Met2Ile)

Gene: NEFH (neurofilament heavy chain; plus strand). Cytogenetic location: 22q12.2.
Variant type: single nucleotide variant.
Coding change: c.6G>T on transcript NM_021076.4 (MANE Select); coding-DNA position 6, G replaced by T.
Protein change: p.Met2Ile; replaces methionine 2 with isoleucine.
Molecular consequence: missense variant.
Genome position (GRCh38, 1-based): chr22:29,480,268, G>T. VCF-style: chr22-29480268-G-T. GRCh37 (hg19) VCF-style: chr22-29876257-G-T.
Other names: short protein forms M2I.
Identifiers: ClinVar variation 4803166 (VCV004803166.1).

ClinVar aggregate classification (germline): Uncertain significance (1 of 4 stars; one submission).

Submission:

Labcorp Genetics (formerly Invitae), Labcorp
Classification: Uncertain significance. Last evaluated: 2025-10-26. Review status: criteria provided, single submitter. Criteria: Invitae Variant Classification Sherloc (09022015). Collection method: clinical testing. Allele origin: germline.
Comment: This sequence change replaces methionine, which is neutral and non-polar, with isoleucine, which is neutral and non-polar, at codon 2 of the NEFH protein (p.Met2Ile). This variant is not present in population databases (gnomAD no frequency). This variant has not been reported in the literature in individuals affected with NEFH-related conditions. Invitae Evidence Modeling of protein sequence and biophysical properties (such as structural, functional, and spatial information, amino acid conservation, physicochemical variation, residue mobility, and thermodynamic stability) indicates that this missense variant is not expected to disrupt NEFH protein function with a negative predictive value of 95%. In summary, the available evidence is currently insufficient to determine the role of this variant in disease. Therefore, it has been classified as a Variant of Uncertain Significance.